The following is an entry in ClinVar:

ClinVar aggregate classification (germline): Uncertain significance (1 of 4 stars; one submission).

Submission:

GeneDx
Classification: Uncertain significance. Last evaluated: 2022-05-06. Review status: criteria provided, single submitter. Criteria: GeneDx Variant Classification Process June 2021. Collection method: clinical testing. Allele origin: germline. Affected: yes.
Comment: Not observed at significant frequency in large population cohorts (gnomAD); In silico analysis supports that this missense variant has a deleterious effect on protein structure/function; Has not been previously published as pathogenic or benign to our knowledge

NM_000260.4(MYO7A):c.3023A>G (p.Tyr1008Cys)

Gene: MYO7A (myosin VIIA; plus strand). Cytogenetic location: 11q13.5.
Variant type: single nucleotide variant.
Coding change: c.3023A>G on transcript NM_000260.4 (MANE Select); coding-DNA position 3023, A replaced by G.
Protein change: p.Tyr1008Cys; replaces tyrosine 1008 with cysteine.
Molecular consequence: missense variant.
Genome position (GRCh38, 1-based): chr11:77,182,069, A>G. VCF-style: chr11-77182069-A-G. GRCh37 (hg19) VCF-style: chr11-76893115-A-G.
Other names: c.3023A>G, p.Tyr1008Cys (NM_001127180.2); c.2990A>G, p.Tyr997Cys (NM_001369365.1); short protein forms Y1008C, Y997C.
Identifiers: ClinVar variation 1723527 (VCV001723527.2), dbSNP rs2497222015, ClinGen allele CA381944124.
Genomic context (GRCh38, chr11:77,182,069, plus strand): 5'-TGCCTGACGAGGATGAGGAGGACCTCTCTGAGTATAAATTTGCCAAGTTCGCGGCCACCT[A>G]CTTCCAGGGGACAACCACGCACTCCTACACCCGGCGGCCACTCAAACAGCCACTGCTCTA-3'
Protein context (NP_000251.3, residues 998-1018): EYKFAKFAAT[Tyr1008Cys]FQGTTTHSYT